The following is an entry in ClinVar:

ClinVar aggregate classification (germline): Pathogenic (1 of 4 stars; one submission).

Submission:

GeneDx
Classification: Pathogenic. Last evaluated: 2016-02-26. Review status: criteria provided, single submitter. Criteria: GeneDx Variant Classification (06012015). Collection method: clinical testing. Allele origin: germline. Affected: yes.
Comment: The W658X pathogenic variant in the AUTS2 gene has not been reported previously as a pathogenic variant nor as a benign variant, to our knowledge. This variant is predicted to cause loss of normal protein function either through protein truncation or nonsense-mediated mRNA decay. The W658X variant was not observed in approximately 6,500 individuals of European and African American ancestry in the NHLBI Exome Sequencing Project, indicating it is not a common benign variant in these populations. We interpret W658X as a pathogenic variant.

NM_015570.4(AUTS2):c.1974G>A (p.Trp658Ter)

Gene: AUTS2 (activator of transcription and developmental regulator AUTS2; plus strand). Cytogenetic location: 7q11.22.
Variant type: single nucleotide variant.
Coding change: c.1974G>A on transcript NM_015570.4 (MANE Select); coding-DNA position 1974, G replaced by A.
Protein change: p.Trp658Ter; replaces tryptophan 658 with a stop codon.
Molecular consequence: nonsense.
Genome position (GRCh38, 1-based): chr7:70,777,144, G>A. VCF-style: chr7-70777144-G-A. GRCh37 (hg19) VCF-style: chr7-70242130-G-A.
Other names: c.1902G>A, p.Trp634Ter (NM_001127231.3); short protein forms W658*, W634*.
Identifiers: ClinVar variation 280395 (VCV000280395.2), dbSNP rs886041609, ClinGen allele CA10602965.